The following is an entry in ClinVar:

NM_001114134.2(EPB42):c.620A>G (p.Gln207Arg)

Gene: EPB42 (erythrocyte membrane protein band 4.2; minus strand). Cytogenetic location: 15q15.2.
Variant type: single nucleotide variant.
Coding change: c.620A>G on transcript NM_001114134.2 (MANE Select); coding-DNA position 620, A replaced by G.
Protein change: p.Gln207Arg; replaces glutamine 207 with arginine.
Molecular consequence: missense variant.
Genome position (GRCh38, 1-based): chr15:43,210,369, T>C on the plus strand (A>G on the coding strand, the complement: EPB42 is on the minus strand). VCF-style: chr15-43210369-T-C. GRCh37 (hg19) VCF-style: chr15-43502567-T-C.
Other names: c.710A>G, p.Gln237Arg (NM_000119.3); short protein forms Q207R, Q237R.
Identifiers: ClinVar variation 1163092 (VCV001163092.19), dbSNP rs758323919, ClinGen allele CA7520574.
Genomic context (GRCh38, chr15:43,210,369, plus strand): 5'-TTCTGGTTCCCCAGCCTCTCGCTTACCAAGGCACCCAACACACGGGCCACGTGCACCGGC[T>C]GGCTCCACTTCTCTACCTGCTTGTCCTTGCTCAGCAAGCGCAGGCTGAGGTCAATGACAT-3'
Protein context (NP_001107606.1, residues 197-217): SKDKQVEKWS[Gln207Arg]PVHVARVLGA

ClinVar aggregate classification (germline): Conflicting classifications of pathogenicity. Review status: criteria provided, conflicting classifications (1 of 4 stars). 5 submissions from 5 submitters: Uncertain significance (4); Likely benign (1). Last evaluated 2026-02-01.

Conditions:
Inborn genetic diseases. Identifiers: MedGen C0950123, MeSH D030342.
Hereditary spherocytosis type 5. Also called: EPB42-Related Spherocytosis; EPB42-Related Hereditary Spherocytosis. Identifiers: Orphanet 822, MedGen C2675192, MONDO:0012985, OMIM 612690.

Allele frequency attached by ClinVar (database versions not stated): gnomAD 0.00007; gnomAD exomes 0.00008; ExAC 0.00010; TOPMed 0.00010.
gnomAD v4.1: 130 of 1,613,782 alleles (0.0081%); highest among the groups gnomAD compares: Non-Finnish European, 0.011%; no homozygotes.

Submissions (5):

CeGaT Center for Human Genetics Tuebingen
Classification: Uncertain significance. Last evaluated: 2026-02-01. Review status: criteria provided, single submitter. Criteria: CeGaT Center For Human Genetics Tuebingen Variant Classification Criteria Version 2. Collection method: clinical testing. Allele origin: germline. Affected: yes. Observed: 1 variant allele.
Comment: EPB42: PM2, BP4

Ambry Genetics
Classification: Uncertain significance for Inborn genetic diseases. Last evaluated: 2025-08-27. Review status: criteria provided, single submitter. Criteria: Ambry Variant Classification Scheme 2023. Collection method: clinical testing. Allele origin: germline.

Labcorp Genetics (formerly Invitae), Labcorp
Classification: Likely benign. Last evaluated: 2025-06-22. Review status: criteria provided, single submitter. Criteria: Invitae Variant Classification Sherloc (09022015). Collection method: clinical testing. Allele origin: germline.

Mayo Clinic Laboratories, Mayo Clinic
Classification: Uncertain significance. Last evaluated: 2021-01-11. Review status: criteria provided, single submitter. Criteria: ACMG Guidelines, 2015. Collection method: clinical testing. Allele origin: germline. Observed: 1 variant allele.

Revvity Omics, Revvity
Classification: Uncertain significance for Hereditary spherocytosis type 5. Last evaluated: 2019-11-15. Review status: criteria provided, single submitter. Criteria: ACMG Guidelines, 2015. Collection method: clinical testing. Allele origin: germline.